The following is an entry in ClinVar:

NM_182914.3(SYNE2):c.16876G>A (p.Glu5626Lys)

Gene: SYNE2 (spectrin repeat containing nuclear envelope protein 2; plus strand). Cytogenetic location: 14q23.2.
Variant type: single nucleotide variant.
Coding change: c.16876G>A on transcript NM_182914.3 (MANE Select); coding-DNA position 16876, G replaced by A.
Protein change: p.Glu5626Lys; replaces glutamic acid 5626 with lysine.
Molecular consequence: missense variant.
Genome position (GRCh38, 1-based): chr14:64,167,610, G>A. VCF-style: chr14-64167610-G-A. GRCh37 (hg19) VCF-style: chr14-64634328-G-A.
Other names: c.16876G>A, p.Glu5626Lys (NM_015180.6); short protein forms E5626K.
Identifiers: ClinVar variation 3680041 (VCV003680041.2).
Genomic context (GRCh38, chr14:64,167,610, plus strand): 5'-ATCCAACTTTTGGAGAAGATAGAAGAAGCACTCAAAGTGGATGTGGCTAACAGCCTTCCT[G>A]AGCTCCTGGAGCAGCAGAAAACCTATAAGGTAAACCTGTGTTCTCTGCCACCCTTGAACC-3'
Protein context (NP_878918.2, residues 5616-5636): LKVDVANSLP[Glu5626Lys]LLEQQKTYKM

ClinVar aggregate classification (germline): Uncertain significance (1 of 4 stars; one submission).

Conditions:
Emery-Dreifuss muscular dystrophy 5, autosomal dominant (EDMD5). Also called: EMERY-DREIFUSS MUSCULAR DYSTROPHY 5. Identifiers: Orphanet 261, MedGen C2751805, MONDO:0013072, OMIM 612999.

gnomAD v4.1: 1 of 1,614,198 alleles (0.000062%); highest among the groups gnomAD compares: Non-Finnish European, 0.000085%; no homozygotes.

Submission:

Labcorp Genetics (formerly Invitae), Labcorp
Classification: Uncertain significance for Emery-Dreifuss muscular dystrophy 5, autosomal dominant. Last evaluated: 2024-04-04. Review status: criteria provided, single submitter. Criteria: Invitae Variant Classification Sherloc (09022015). Collection method: clinical testing. Allele origin: germline.
Comment: This sequence change replaces glutamic acid, which is acidic and polar, with lysine, which is basic and polar, at codon 5626 of the SYNE2 protein (p.Glu5626Lys). This variant is not present in population databases (gnomAD no frequency). This variant has not been reported in the literature in individuals affected with SYNE2-related conditions. An algorithm developed to predict the effect of missense changes on protein structure and function (PolyPhen-2) suggests that this variant is likely to be tolerated. In summary, the available evidence is currently insufficient to determine the role of this variant in disease. Therefore, it has been classified as a Variant of Uncertain Significance.